The following is an entry in ClinVar:

ClinVar aggregate classification (germline): Uncertain significance (1 of 4 stars; one submission).

Allele frequency attached by ClinVar (database versions not stated): gnomAD 0.00001; gnomAD exomes 0.00001; ExAC 0.00002; 1000 Genomes Project 30x 0.00016; 1000 Genomes Project 0.00020.
gnomAD v4.1: 1 of 1,614,128 alleles (0.000062%); highest among the groups gnomAD compares: African/African-American, 0.0013%; no homozygotes.

Submission:

Labcorp Genetics (formerly Invitae), Labcorp
Classification: Uncertain significance. Last evaluated: 2022-09-07. Review status: criteria provided, single submitter. Criteria: Invitae Variant Classification Sherloc (09022015). Collection method: clinical testing. Allele origin: germline.
Comment: ClinVar contains an entry for this variant (Variation ID: 1470284). This variant has not been reported in the literature in individuals affected with APTX-related conditions. This variant is present in population databases (rs539119129, gnomAD 0.007%). This sequence change replaces proline, which is neutral and non-polar, with serine, which is neutral and polar, at codon 196 of the APTX protein (p.Pro196Ser). In summary, the available evidence is currently insufficient to determine the role of this variant in disease. Therefore, it has been classified as a Variant of Uncertain Significance. Algorithms developed to predict the effect of missense changes on protein structure and function are either unavailable or do not agree on the potential impact of this missense change (SIFT: "Deleterious"; PolyPhen-2: "Probably Damaging"; Align-GVGD: "Class C0").

NM_001195248.2(APTX):c.586C>T (p.Pro196Ser)

Gene: APTX (aprataxin; minus strand). Cytogenetic location: 9p21.1.
Variant type: single nucleotide variant.
Coding change: c.586C>T on transcript NM_001195248.2 (MANE Select); coding-DNA position 586, C replaced by T.
Protein change: p.Pro196Ser; replaces proline 196 with serine.
Molecular consequence: missense variant. On other transcripts: non-coding transcript variant (9).
Genome position (GRCh38, 1-based): chr9:32,984,815, G>A on the plus strand (C>T on the coding strand, the complement: APTX is on the minus strand). VCF-style: chr9-32984815-G-A. GRCh37 (hg19) VCF-style: chr9-32984813-G-A.
Other names: c.586C>T, p.Pro196Ser (NM_001195249.2, NM_001195251.2, NM_001368995.1 and 6 more transcripts); c.424C>T, p.Pro142Ser (NM_001195250.2, NM_001195254.2, NM_001369000.1 and 1 more transcripts); c.370C>T, p.Pro124Ser (NM_001195252.2); c.322C>T, p.Pro108Ser (NM_001369002.1, NM_001369003.1, NM_001369004.1 and 5 more transcripts); short protein forms P142S, P108S, P124S, P196S.
Identifiers: ClinVar variation 1470284 (VCV001470284.5), dbSNP rs539119129, ClinGen allele CA5022364.